The following is an entry in ClinVar:

ClinVar aggregate classification (germline): Benign/Likely benign. Review status: criteria provided, multiple submitters, no conflicts (2 of 4 stars). 2 submissions from 2 submitters: Benign (1); Likely benign (1). Last evaluated 2026-08-01.

Allele frequency attached by ClinVar (database versions not stated): ESP Exome Variant Server 0.00016; gnomAD exomes 0.00057 and 0.00123; ExAC 0.00136; 1000 Genomes Project 0.00319; 1000 Genomes Project 30x 0.00344; TOPMed 0.00008.

Submissions (2):

CeGaT Center for Human Genetics Tuebingen
Classification: Likely benign. Last evaluated: 2026-08-01. Review status: criteria provided, single submitter. Criteria: CeGaT Center For Human Genetics Tuebingen Variant Classification Criteria Version 2. Collection method: clinical testing. Allele origin: germline. Affected: yes. Observed: 2 variant alleles.
Comment: DOCK4: BS2

Labcorp Genetics (formerly Invitae), Labcorp
Classification: Benign. Last evaluated: 2018-12-18. Review status: criteria provided, single submitter. Criteria: Invitae Variant Classification Sherloc (09022015). Collection method: clinical testing. Allele origin: germline.

NM_001363540.2(DOCK4):c.317G>A (p.Arg106His)

Gene: DOCK4 (dedicator of cytokinesis 4; minus strand). Cytogenetic location: 7q31.1.
Variant type: single nucleotide variant.
Coding change: c.317G>A on transcript NM_001363540.2 (MANE Select); coding-DNA position 317, G replaced by A.
Protein change: p.Arg106His; replaces arginine 106 with histidine.
Molecular consequence: missense variant.
Genome position (GRCh38, 1-based): chr7:111,989,162, C>T on the plus strand (G>A on the coding strand, the complement: DOCK4 is on the minus strand). VCF-style: chr7-111989162-C-T. GRCh37 (hg19) VCF-style: chr7-111629217-C-T.
Other names: c.317G>A, p.Arg106His (NM_014705.4); short protein forms R106H.
Identifiers: ClinVar variation 798655 (VCV000798655.9), dbSNP rs200264338, ClinGen allele CA4442792.
Genomic context (GRCh38, chr7:111,989,162, plus strand): 5'-CTCAGGTCCAGGATTTCATTCATGATGTGCCACAGCCGGTGGAAGAGATCGCCTTCATTA[C>T]GCTAAGAAATATACAAATGTGGAGATTTGGCAGTCAGTACCTATACTGAGTTGTGGGGTA-3'
Protein context (NP_001350469.1, residues 96-116): WGTMWKQLYV[Arg106His]NEGDLFHRLW